The following is an entry in ClinVar:

ClinVar aggregate classification (germline): Benign/Likely benign. Review status: criteria provided, multiple submitters, no conflicts (2 of 4 stars). 6 submissions from 6 submitters: Benign (2); Likely benign (4). Last evaluated 2026-01-27.

Conditions:
Brain small vessel disease 2A, autosomal dominant. Also called: Porencephaly 2. Identifiers: Orphanet 2940, Orphanet 99810, MedGen C3280970, MONDO:0013773, OMIM 614483.

Allele frequency attached by ClinVar (database versions not stated): gnomAD 0.00273 and 0.00297; ESP Exome Variant Server 0.00280; TOPMed 0.00305; 1000 Genomes Project 30x 0.00344; 1000 Genomes Project 0.00379; gnomAD exomes 0.00027 and 0.00076; ExAC 0.00093.
gnomAD v4.1: 828 of 1,614,218 alleles (0.051%); highest among the groups gnomAD compares: African/African-American, 0.97%; 6 homozygotes.

Submissions (6):

Labcorp Genetics (formerly Invitae), Labcorp
Classification: Benign. Last evaluated: 2026-01-27. Review status: criteria provided, single submitter. Criteria: Invitae Variant Classification Sherloc (09022015). Collection method: clinical testing. Allele origin: germline.

CeGaT Center for Human Genetics Tuebingen
Classification: Likely benign. Last evaluated: 2025-09-01. Review status: criteria provided, single submitter. Criteria: CeGaT Center For Human Genetics Tuebingen Variant Classification Criteria Version 2. Collection method: clinical testing. Allele origin: germline. Affected: yes. Observed: 1 variant allele.
Comment: COL4A2: BP4, BP7

Mayo Clinic Laboratories, Mayo Clinic
Classification: Likely benign. Last evaluated: 2025-05-19. Review status: criteria provided, single submitter. Criteria: ACMG Guidelines, 2015. Collection method: clinical testing. Allele origin: germline. Observed: 1 variant allele.
Comment: BS1, BP4, BP7

Blueprint Genetics
Classification: Likely benign. Last evaluated: 2024-11-26. Review status: criteria provided, single submitter. Criteria: ACMG Guidelines, 2015. Collection method: clinical testing. Allele origin: germline.

GeneDx
Classification: Likely benign. Last evaluated: 2020-12-30. Review status: criteria provided, single submitter. Criteria: GeneDx Variant Classification Process June 2021. Collection method: clinical testing. Allele origin: germline. Affected: yes.
Comment: See Variant Classification Assertion Criteria.

Illumina Laboratory Services, Illumina
Classification: Benign for Brain small vessel disease 2A, autosomal dominant. Last evaluated: 2018-01-13. Review status: criteria provided, single submitter. Criteria: ICSL Variant Classification Criteria 13 December 2019. Collection method: clinical testing. Allele origin: germline.
Comment: This variant was observed in the ICSL laboratory as part of a predisposition screen in an ostensibly healthy population. It had not been previously curated by ICSL or reported in the Human Gene Mutation Database (HGMD: prior to June 1st, 2018), and was therefore a candidate for classification through an automated scoring system. Utilizing variant allele frequency, disease prevalence and penetrance estimates, and inheritance mode, an automated score was calculated to assess if this variant is too frequent to cause the disease. Based on the score and internal cut-off values, a variant classified as benign is not then subjected to further curation. The score for this variant resulted in a classification of benign for this disease.

NM_001846.4(COL4A2):c.3234A>C (p.Ala1078=)

Gene: COL4A2 (collagen type IV alpha 2 chain; plus strand). Cytogenetic location: 13q34.
Variant type: single nucleotide variant.
Coding change: c.3234A>C on transcript NM_001846.4 (MANE Select); coding-DNA position 3234, A replaced by C.
Protein change: p.Ala1078=; no amino-acid change (alanine 1078 retained).
Molecular consequence: synonymous variant.
Genome position (GRCh38, 1-based): chr13:110,489,471, A>C. VCF-style: chr13-110489471-A-C. GRCh37 (hg19) VCF-style: chr13-111141818-A-C.
Other names: p.Ala1078=.
Identifiers: ClinVar variation 311156 (VCV000311156.24), dbSNP rs148837052, ClinGen allele CA7050125.